The following is an entry in ClinVar:

NM_182706.5(SCRIB):c.4273G>A (p.Glu1425Lys)

Gene: SCRIB (scribble planar cell polarity protein; minus strand). Cytogenetic location: 8q24.3.
Variant type: single nucleotide variant.
Coding change: c.4273G>A on transcript NM_182706.5 (MANE Select); coding-DNA position 4273, G replaced by A.
Protein change: p.Glu1425Lys; replaces glutamic acid 1425 with lysine.
Molecular consequence: missense variant.
Genome position (GRCh38, 1-based): chr8:143,792,540, C>T on the plus strand (G>A on the coding strand, the complement: SCRIB is on the minus strand). VCF-style: chr8-143792540-C-T. GRCh37 (hg19) VCF-style: chr8-144874710-C-T.
Other names: c.4273G>A, p.Glu1425Lys (NM_015356.5); short protein forms E1425K.
Identifiers: ClinVar variation 3041800 (VCV003041800.2), dbSNP rs534664498, ClinGen allele CA4918289.

ClinVar aggregate classification (germline): Likely benign (0 of 4 stars; one submission).

Conditions:
SCRIB-related disorder. Also called: SCRIB-related condition.

Allele frequency attached by ClinVar (database versions not stated): TOPMed 0.00002; gnomAD exomes 0.00034; 1000 Genomes Project 30x 0.00078; 1000 Genomes Project 0.00100; ExAC 0.00227.
gnomAD v4.1: 497 of 1,558,196 alleles (0.032%); highest among the groups gnomAD compares: South Asian, 0.55%; 10 homozygotes.

Submission:

PreventionGenetics, part of Exact Sciences
Classification: Likely benign for SCRIB-related condition. Last evaluated: 2019-05-10. Review status: no assertion criteria provided. Collection method: clinical testing. Allele origin: germline.
Comment: This variant is classified as likely benign based on ACMG/AMP sequence variant interpretation guidelines (Richards et al. 2015 PMID: 25741868, with internal and published modifications).